The following is an entry in ClinVar:

NM_001110556.2(FLNA):c.7678G>C (p.Val2560Leu)

Genes: FLNA (filamin A; minus strand), LOC107988032 (Xq28 proximal FLNA-EMD recombination region; plus strand). Cytogenetic location: Xq28.
Variant type: single nucleotide variant.
Coding change: c.7678G>C on transcript NM_001110556.2 (MANE Select); coding-DNA position 7678, G replaced by C.
Protein change: p.Val2560Leu; replaces valine 2560 with leucine.
Molecular consequence: missense variant.
Genome position (GRCh38, 1-based): chrX:154,349,440, C>G on the plus strand (G>C on the coding strand, the complement: FLNA is on the minus strand). VCF-style: chrX-154349440-C-G. GRCh37 (hg19) VCF-style: chrX-153577808-C-G.
Other names: c.7654G>C (NM_001456.3); c.7654G>C, p.Val2552Leu (NM_001456.4); short protein forms V2552L, V2560L.
Identifiers: ClinVar variation 3753348 (VCV003753348.3).
Genomic context (GRCh38, chrX:154,349,440, plus strand): 5'-CTGTGAAGCTGCTCTTCTGGCCTACGTAGGCCTTGCTCAGCCCCAGGCCCTTGGCCACCA[C>G]CTTGCTGGCGTCAGCAGGCCCAGGACCCGGGGCCCCATGCTGGGGGGCACAGGTGGCCTT-3'
Protein context (NP_001104026.1, residues 2550-2570): PGPGPADASK[Val2560Leu]VAKGLGLSKA

ClinVar aggregate classification (germline): Uncertain significance. Review status: criteria provided, multiple submitters, no conflicts (2 of 4 stars). 2 submissions from 2 submitters: Uncertain significance (2). Last evaluated 2025-03-31.

Conditions:
Melnick-Needles syndrome (MNS). Also called: MELNICK-NEEDLES OSTEODYSPLASTY; OSTEODYSPLASTY OF MELNICK AND NEEDLES; Melnick-Needles Syndrome (FLNA-MNS). Identifiers: Orphanet 2484, MedGen C0025237, MONDO:0010650, OMIM 309350.
Frontometaphyseal dysplasia (FMD1). Identifiers: Orphanet 1826, MedGen C0265293, MONDO:0015942.
Heterotopia, periventricular, X-linked dominant (PVNH1). Also called: PERIVENTRICULAR NODULAR HETEROTOPIA 1; X-linked periventricular heterotopia; PERIVENTRICULAR NODULAR HETEROTOPIA 4; HETEROTOPIA, PERIVENTRICULAR, 1. Identifiers: Orphanet 2149, Orphanet 82004, MedGen C1848213, MONDO:0010233, OMIM 300049.
Oto-palato-digital syndrome, type II (OPD2). Also called: FACIOPALATOOSSEOUS SYNDROME; OPD II SYNDROME; Otopalatodigital Syndrome, Type II; Otopalatodigital Syndrome Type 2 (FLNA-OPD2). Identifiers: Orphanet 669, Orphanet 90652, MedGen C1844696, MONDO:0010571, OMIM 304120.

Submissions (2):

GeneDx
Classification: Uncertain significance. Last evaluated: 2025-03-31. Review status: criteria provided, single submitter. Criteria: GeneDx Variant Classification Process June 2021. Collection method: clinical testing. Allele origin: germline. Affected: yes.
Comment: Not observed at significant frequency in large population cohorts (gnomAD); In silico analysis indicates that this missense variant does not alter protein structure/function; Has not been previously published as pathogenic or benign to our knowledge

Labcorp Genetics (formerly Invitae), Labcorp
Classification: Uncertain significance for Oto-palato-digital syndrome, type II; Heterotopia, periventricular, X-linked dominant; Frontometaphyseal dysplasia; Melnick-Needles syndrome. Last evaluated: 2024-12-03. Review status: criteria provided, single submitter. Criteria: Invitae Variant Classification Sherloc (09022015). Collection method: clinical testing. Allele origin: germline.
Comment: This sequence change replaces valine, which is neutral and non-polar, with leucine, which is neutral and non-polar, at codon 2552 of the FLNA protein (p.Val2552Leu). This variant is not present in population databases (gnomAD no frequency). This variant has not been reported in the literature in individuals affected with FLNA-related conditions. Invitae Evidence Modeling of protein sequence and biophysical properties (such as structural, functional, and spatial information, amino acid conservation, physicochemical variation, residue mobility, and thermodynamic stability) indicates that this missense variant is not expected to disrupt FLNA protein function with a negative predictive value of 95%. In summary, the available evidence is currently insufficient to determine the role of this variant in disease. Therefore, it has been classified as a Variant of Uncertain Significance.